The following is an entry in ClinVar:

ClinVar aggregate classification (germline): Uncertain significance (1 of 4 stars; one submission).

Submission:

GeneDx
Classification: Uncertain significance. Last evaluated: 2025-06-07. Review status: criteria provided, single submitter. Criteria: GeneDx Variant Classification Process June 2021. Collection method: clinical testing. Allele origin: germline. Affected: yes.
Comment: Not observed at significant frequency in large population cohorts (gnomAD); In silico analysis suggests that this variant does not alter splicing; Has not been previously published as pathogenic or benign to our knowledge

NM_032758.4(PHF5A):c.244-3C>T

Gene: PHF5A (PHD finger protein 5A; minus strand). Cytogenetic location: 22q13.2.
Variant type: single nucleotide variant.
Coding change: c.244-3C>T on transcript NM_032758.4 (MANE Select); 3 bases into the intron before coding-DNA position 244, C replaced by T.
Molecular consequence: intron variant.
Genome position (GRCh38, 1-based): chr22:41,460,490, G>A on the plus strand (C>T on the coding strand, the complement: PHF5A is on the minus strand). VCF-style: chr22-41460490-G-A. GRCh37 (hg19) VCF-style: chr22-41856494-G-A.
Identifiers: ClinVar variation 4536434 (VCV004536434.1).
Genomic context (GRCh38, chr22:41,460,490, plus strand): 5'-CATAGAAGAGGTCTGTCTTAGAGCTCCCCAGATTGACAATCTTTGGGCAGCCATCTCTCT[G>A]GAAAACAGAACAGAGAAGTTGTTAAGTCTTTGAGCCTGAACCAAGAGTGACTTAAGATAA-3'